The following is an entry in ClinVar:

NM_138576.4(BCL11B):c.1904_1921del (p.Asp635_Gly640del)

Gene: BCL11B (BCL11 transcription factor B; minus strand). Cytogenetic location: 14q32.2.
Variant type: Deletion.
Coding change: c.1904_1921del on transcript NM_138576.4 (MANE Select); coding-DNA positions 1904 to 1921, 18 bases deleted (ACGACGACGACGCGGGCG).
Protein change: p.Asp635_Gly640del.
Genome position (GRCh38, 1-based): chr14:99,174,915-99,174,932, CGCCCGCGTCGTCGTCGT deleted on the plus strand (ACGACGACGACGCGGGCG on the coding strand, the reverse complement: BCL11B is on the minus strand); deleting any 18 consecutive bases within chr14:99,174,915-99,174,942 gives the same sequence; the c. name uses the placement nearest the transcript's 3' end. VCF-style (leftmost placement, unchanged base first): chr14-99174914-CCGCCCGCGTCGTCGTCGT-C. GRCh37 (hg19) VCF-style: chr14-99641251-CCGCCCGCGTCGTCGTCGT-C.
Other names: c.1901_1918del, p.Asp634_Gly639del (NM_001282237.2); c.1688_1705del, p.Asp563_Gly568del (NM_001282238.2); c.1691_1708del, p.Asp564_Gly569del (NM_022898.3).
Identifiers: ClinVar variation 3675147 (VCV003675147.2).

ClinVar aggregate classification (germline): Uncertain significance (1 of 4 stars; one submission).

Submission:

Labcorp Genetics (formerly Invitae), Labcorp
Classification: Uncertain significance. Last evaluated: 2024-05-20. Review status: criteria provided, single submitter. Criteria: Invitae Variant Classification Sherloc (09022015). Collection method: clinical testing. Allele origin: germline.
Comment: This variant, c.1904_1921del, results in the deletion of 6 amino acid(s) of the BCL11B protein (p.Asp635_Gly640del), but otherwise preserves the integrity of the reading frame. The frequency data for this variant in the population databases is considered unreliable, as metrics indicate insufficient coverage at this position in the gnomAD database. This variant has not been reported in the literature in individuals affected with BCL11B-related conditions. Experimental studies and prediction algorithms are not available or were not evaluated, and the functional significance of this variant is currently unknown. In summary, the available evidence is currently insufficient to determine the role of this variant in disease. Therefore, it has been classified as a Variant of Uncertain Significance.